The following is an entry in ClinVar:

ClinVar aggregate classification (germline): Uncertain significance. Review status: criteria provided, multiple submitters, no conflicts (2 of 4 stars). 2 submissions from 2 submitters: Uncertain significance (2). Last evaluated 2025-09-29.

Allele frequency attached by ClinVar (database versions not stated): gnomAD 0.00001; TOPMed 0.00001.
gnomAD v4.1: 8 of 1,612,174 alleles (0.0005%); highest among the groups gnomAD compares: Admixed American, 0.005%; no homozygotes.

Submissions (2):

Labcorp Genetics (formerly Invitae), Labcorp
Classification: Uncertain significance. Last evaluated: 2025-09-29. Review status: criteria provided, single submitter. Criteria: Invitae Variant Classification Sherloc (09022015). Collection method: clinical testing. Allele origin: germline.
Comment: This sequence change replaces proline, which is neutral and non-polar, with serine, which is neutral and polar, at codon 809 of the COL4A1 protein (p.Pro809Ser). This variant is present in population databases (no rsID available, gnomAD 0.006%). This variant has not been reported in the literature in individuals affected with COL4A1-related conditions. ClinVar contains an entry for this variant (Variation ID: 2148836). Invitae Evidence Modeling of protein sequence and biophysical properties (such as structural, functional, and spatial information, amino acid conservation, physicochemical variation, residue mobility, and thermodynamic stability) indicates that this missense variant is not expected to disrupt COL4A1 protein function with a negative predictive value of 95%. In summary, the available evidence is currently insufficient to determine the role of this variant in disease. Therefore, it has been classified as a Variant of Uncertain Significance.

Revvity Omics, Revvity
Classification: Uncertain significance. Last evaluated: 2024-04-15. Review status: criteria provided, single submitter. Criteria: ACMG Guidelines, 2015. Collection method: clinical testing. Allele origin: germline.

NM_001845.6(COL4A1):c.2425C>T (p.Pro809Ser)

Gene: COL4A1 (collagen type IV alpha 1 chain; minus strand). Cytogenetic location: 13q34.
Variant type: single nucleotide variant.
Coding change: c.2425C>T on transcript NM_001845.6 (MANE Select); coding-DNA position 2425, C replaced by T.
Protein change: p.Pro809Ser; replaces proline 809 with serine.
Molecular consequence: missense variant.
Genome position (GRCh38, 1-based): chr13:110,178,956, G>A on the plus strand (C>T on the coding strand, the complement: COL4A1 is on the minus strand). VCF-style: chr13-110178956-G-A. GRCh37 (hg19) VCF-style: chr13-110831303-G-A.
Other names: short protein forms P809S.
Identifiers: ClinVar variation 2148836 (VCV002148836.7), dbSNP rs1388011423, ClinGen allele CA388668345.